The following is an entry in ClinVar:

ClinVar aggregate classification (germline): Conflicting classifications of pathogenicity. Review status: criteria provided, conflicting classifications (1 of 4 stars). 3 submissions from 3 submitters: Uncertain significance (1); Likely benign (2). Last evaluated 2026-01-12.

Conditions:
Cardiovascular phenotype. Identifiers: MedGen CN230736.
Primary familial hypertrophic cardiomyopathy (HCM). Identifiers: Orphanet 99739, MedGen C0949658, MeSH D024741, MONDO:0024573. Inheritance: Various modes of inheritance.

Allele frequency attached by ClinVar (database versions not stated): gnomAD 0.00003 and 0.00004; TOPMed 0.00009; gnomAD exomes 0.00013 and 0.00029; ExAC 0.00021.

Submissions (3):

Labcorp Genetics (formerly Invitae), Labcorp
Classification: Likely benign for Primary familial hypertrophic cardiomyopathy. Last evaluated: 2026-01-12. Review status: criteria provided, single submitter. Criteria: Invitae Variant Classification Sherloc (09022015). Collection method: clinical testing. Allele origin: germline.

Blueprint Genetics
Classification: Likely benign. Last evaluated: 2024-10-02. Review status: criteria provided, single submitter. Criteria: ACMG Guidelines, 2015. Collection method: clinical testing. Allele origin: germline.

Ambry Genetics
Classification: Uncertain significance for Cardiovascular phenotype. Last evaluated: 2015-01-14. Review status: criteria provided, single submitter. Criteria: Ambry Autosomal Dominant and X-Linked criteria (10/2015). Collection method: clinical testing. Allele origin: germline. Observed: 1 variant allele.
Comment: The p.F168C variant (also known as c.503T>G) is located in coding exon 5 of the ILKgene. This alteration results from a T to G substitution at nucleotide position 503. The phenylalanine at codon 168 is replaced by cysteine, an amino acid with some highly dissimilar properties. This variant was not reported in population-based cohorts in the following databases: Database of Single Nucleotide Polymorphisms (dbSNP), the 1000 Genomes Project and the NHLBI Exome Sequencing Project (ESP). In the ESP, this variant was not observed in 6497 samples (12994 alleles) with coverage at this position. Based on protein sequence alignment, this amino acid position is highly conserved in available vertebrate species. However,this alteration is predicted to be possibly damaging but tolerated by PolyPhen and SIFT in silico analyses, respectively.Since supporting evidence is limited at this time, the clinical significance of this variant remains unclear.

NM_004517.4(ILK):c.503T>G (p.Phe168Cys)

Genes: ILK (integrin linked kinase; plus strand), TAF10 (TATA-box binding protein associated factor 10; minus strand). Cytogenetic location: 11p15.4.
Variant type: single nucleotide variant.
Coding change: c.503T>G on transcript NM_004517.4 (MANE Select); coding-DNA position 503, T replaced by G.
Protein change: p.Phe168Cys; replaces phenylalanine 168 with cysteine.
Molecular consequence: missense variant. On other transcripts: 3 prime UTR variant (1).
Genome position (GRCh38, 1-based): chr11:6,608,938, T>G. VCF-style: chr11-6608938-T-G. GRCh37 (hg19) VCF-style: chr11-6630169-T-G.
Other names: c.503T>G, p.Phe168Cys (NM_001014794.3, NM_001014795.3); c.406T>G, p.Ser136Ala (NM_001278441.2); c.101T>G, p.Phe34Cys (NM_001278442.2); c.*1984A>C (NM_006284.4); short protein forms F168C, F34C, S136A.
Identifiers: ClinVar variation 520261 (VCV000520261.13), dbSNP rs747974626, ClinGen allele CA5858073.